The following is an entry in ClinVar:

ClinVar aggregate classification (germline): Uncertain significance (1 of 4 stars; one submission).

gnomAD v4.1: 16 of 1,588,562 alleles (0.001%); highest among the groups gnomAD compares: Middle Eastern, 0.017%; no homozygotes.

Submission:

Labcorp Genetics (formerly Invitae), Labcorp
Classification: Uncertain significance. Last evaluated: 2025-04-23. Review status: criteria provided, single submitter. Criteria: Invitae Variant Classification Sherloc (09022015). Collection method: clinical testing. Allele origin: germline.
Comment: This sequence change replaces arginine, which is basic and polar, with cysteine, which is neutral and slightly polar, at codon 2550 of the FBN3 protein (p.Arg2550Cys). The frequency data for this variant in the population databases is considered unreliable, as metrics indicate poor data quality at this position in the gnomAD database. This variant has not been reported in the literature in individuals affected with FBN3-related conditions. Invitae Evidence Modeling of protein sequence and biophysical properties (such as structural, functional, and spatial information, amino acid conservation, physicochemical variation, residue mobility, and thermodynamic stability) indicates that this missense variant is expected to disrupt FBN3 protein function with a positive predictive value of 80%. In summary, the available evidence is currently insufficient to determine the role of this variant in disease. Therefore, it has been classified as a Variant of Uncertain Significance.

NM_032447.5(FBN3):c.7648C>T (p.Arg2550Cys)

Gene: FBN3 (fibrillin 3; minus strand). Cytogenetic location: 19p13.2.
Variant type: single nucleotide variant.
Coding change: c.7648C>T on transcript NM_032447.5 (MANE Select); coding-DNA position 7648, C replaced by T.
Protein change: p.Arg2550Cys; replaces arginine 2550 with cysteine.
Molecular consequence: missense variant.
Genome position (GRCh38, 1-based): chr19:8,075,125, G>A on the plus strand (C>T on the coding strand, the complement: FBN3 is on the minus strand). VCF-style: chr19-8075125-G-A. GRCh37 (hg19) VCF-style: chr19-8140009-G-A.
Other names: c.7648C>T, p.Arg2550Cys (NM_001321431.2); short protein forms R2550C.
Identifiers: ClinVar variation 4704167 (VCV004704167.1).